The following is an entry in ClinVar:

NM_001291303.3(FAT4):c.13084+227G>C

Gene: FAT4 (FAT atypical cadherin 4; plus strand). Cytogenetic location: 4q28.1.
Variant type: single nucleotide variant.
Coding change: c.13084+227G>C on transcript NM_001291303.3 (MANE Select); 227 bases into the intron after coding-DNA position 13084, G replaced by C.
Molecular consequence: intron variant.
Genome position (GRCh38, 1-based): chr4:125,487,833, G>C. VCF-style: chr4-125487833-G-C. GRCh37 (hg19) VCF-style: chr4-126408988-G-C.
Other names: c.13084+227G>C (NM_001291285.3); c.13078+227G>C (NM_024582.6).
Identifiers: ClinVar variation 681691 (VCV000681691.1), dbSNP rs1395236, ClinGen allele CA11894878.

ClinVar aggregate classification (germline): Benign (1 of 4 stars; one submission).

Allele frequency attached by ClinVar (database versions not stated): TOPMed 0.21031; gnomAD 0.21186 and 0.21683; 1000 Genomes Project 30x 0.21596; 1000 Genomes Project 0.21845.
gnomAD v4.1: 33,148 of 151,814 alleles (22%); highest among the groups gnomAD compares: East Asian, 37%; 4,343 homozygotes.

Submission:

GeneDx
Classification: Benign. Last evaluated: 2018-06-19. Review status: criteria provided, single submitter. Criteria: GeneDx Variant Classification (06012015). Collection method: clinical testing. Allele origin: germline. Affected: yes.
Comment: This variant is considered likely benign or benign based on one or more of the following criteria: it is a conservative change, it occurs at a poorly conserved position in the protein, it is predicted to be benign by multiple in silico algorithms, and/or has population frequency not consistent with disease.